The following is an entry in ClinVar:

NM_004329.3(BMPR1A):c.1212C>G (p.Thr404=)

Gene: BMPR1A (bone morphogenetic protein receptor type 1A; plus strand). Cytogenetic location: 10q23.2.
Variant type: single nucleotide variant.
Coding change: c.1212C>G on transcript NM_004329.3 (MANE Select); coding-DNA position 1212, C replaced by G.
Protein change: p.Thr404=; no amino-acid change (threonine 404 retained).
Molecular consequence: synonymous variant. On other transcripts: non-coding transcript variant (3).
Genome position (GRCh38, 1-based): chr10:86,921,565, C>G. VCF-style: chr10-86921565-C-G. GRCh37 (hg19) VCF-style: chr10-88681322-C-G.
Other names: c.1287C>G, p.Thr429= (NM_001406559.1); c.1260C>G, p.Thr420= (NM_001406560.1); c.1212C>G, p.Thr404= (NM_001406561.1, NM_001406562.1, NM_001406563.1 and 19 more transcripts); c.1206C>G, p.Thr402= (NM_001406583.1); c.1128C>G, p.Thr376= (NM_001406584.1, NM_001406585.1, NM_001406586.1 and 2 more transcripts); c.870C>G, p.Thr290= (NM_001406589.1).
Identifiers: ClinVar variation 2011237 (VCV002011237.6), dbSNP rs2539636144, ClinGen allele CA470308292.

ClinVar aggregate classification (germline): Benign/Likely benign. Review status: criteria provided, multiple submitters, no conflicts (2 of 4 stars). 3 submissions from 3 submitters: Benign (1); Likely benign (2). Last evaluated 2026-02-01.

Conditions:
Juvenile polyposis syndrome (JPS). Identifiers: Orphanet 2929, MedGen C0345893, MONDO:0017380, OMIM 174900.
Hereditary cancer-predisposing syndrome. Also called: Neoplastic Syndromes, Hereditary; Tumor predisposition; Hereditary Cancer Syndrome; Hereditary neoplastic syndrome. Identifiers: Orphanet 140162, MedGen C0027672, MeSH D009386, MONDO:0015356.

Submissions (3):

Ambry Genetics
Classification: Likely benign for Hereditary cancer-predisposing syndrome. Last evaluated: 2026-02-01. Review status: criteria provided, single submitter. Criteria: Ambry Variant Classification Scheme 2023. Collection method: clinical testing. Allele origin: germline.

Myriad Genetics, Inc.
Classification: Benign for Juvenile polyposis syndrome. Last evaluated: 2024-08-07. Review status: criteria provided, single submitter. Criteria: Myriad Autosomal Dominant, Autosomal Recessive and X-Linked Classification Criteria (2023). Collection method: clinical testing. Allele origin: unknown.
Comment: This variant is considered benign. This variant is a silent/synonymous amino acid change and it is not expected to impact splicing.

Labcorp Genetics (formerly Invitae), Labcorp
Classification: Likely benign for Juvenile polyposis syndrome. Last evaluated: 2022-06-26. Review status: criteria provided, single submitter. Criteria: Invitae Variant Classification Sherloc (09022015). Collection method: clinical testing. Allele origin: germline.